The following is an entry in ClinVar:

ClinVar aggregate classification (germline): Pathogenic (0 of 4 stars; one submission).

Conditions:
Ovarian neoplasm. Also called: Neoplasm of ovary; Ovarian tumor; Ovarian Neoplasms. Identifiers: MedGen C0919267, MeSH D010051, MONDO:0021068, HP:0100615.
Familial cancer of breast. Also called: hereditary breast carcinoma; Hereditary breast cancer; BREAST CANCER, FAMILIAL. Identifiers: Orphanet 227535, MedGen C0346153, MONDO:0016419, OMIM 114480. Disease mechanism: loss of function.

Submission:

University Health Network, Princess Margaret Cancer Centre
Classification: Pathogenic for Familial cancer of breast; Ovarian cancer. Last evaluated: 2021-03-19. Review status: no assertion criteria provided. Collection method: clinical testing. Allele origin: de novo. Affected: yes.
Comment: Variant observed at low allele frequency

NM_007294.4(BRCA1):c.1195_1196del (p.Ser398_His399insTer)

Gene: BRCA1 (BRCA1 DNA repair associated; minus strand). Cytogenetic location: 17q21.31.
Variant type: Microsatellite.
Coding change: c.1195_1196del on transcript NM_007294.4 (MANE Select); coding-DNA positions 1195 to 1196, 2 bases deleted (CA; older notation c.1195_1196delCA).
Protein change: p.Ser398_His399insTer.
Molecular consequence: nonsense. On other transcripts: intron variant (137).
Genome position (GRCh38, 1-based): chr17:43,094,335-43,094,336, TG deleted on the plus strand (CA on the coding strand, the reverse complement: BRCA1 is on the minus strand); deleting any 2 consecutive bases within chr17:43,094,335-43,094,338 gives the same sequence; the c. name uses the placement nearest the transcript's 3' end. VCF-style (leftmost placement, unchanged base first): chr17-43094334-ATG-A. GRCh37 (hg19) VCF-style: chr17-41246351-ATG-A.
Other names: c.667+1510_667+1511del (NM_001408421.1, NM_001408424.1, NM_001408431.1); c.784+408_784+409del (NM_001407991.1, NM_001408407.1, NM_001408402.1 and 13 more transcripts); c.664+408_664+409del (NM_001408427.1, NM_001408436.1, NM_001408444.1 and 12 more transcripts); c.523+408_523+409del (NM_001408496.1, NM_001408498.1, NM_001408501.1 and 3 more transcripts); c.646+408_646+409del (NM_001408460.1, NM_001408454.1, NM_001408458.1 and 11 more transcripts); c.706+408_706+409del (NM_001408413.1, NM_001408416.1); c.586+408_586+409del (NM_001408476.1, NM_001408474.1); c.709+408_709+409del (NM_001408409.1, NM_001408412.1, NM_001408414.1 and 2 more transcripts); and 41 more.
Identifiers: ClinVar variation 1174015 (VCV001174015.2), dbSNP rs2154471163, ClinGen allele CA2573105992.